The following is an entry in ClinVar:

NM_001371986.1(UNC80):c.2782T>G (p.Tyr928Asp)

Gene: UNC80 (unc-80 subunit of NALCN channel complex; plus strand). Cytogenetic location: 2q34.
Variant type: single nucleotide variant.
Coding change: c.2782T>G on transcript NM_001371986.1 (MANE Select); coding-DNA position 2782, T replaced by G.
Protein change: p.Tyr928Asp; replaces tyrosine 928 with aspartic acid.
Molecular consequence: missense variant.
Genome position (GRCh38, 1-based): chr2:209,834,008, T>G. VCF-style: chr2-209834008-T-G. GRCh37 (hg19) VCF-style: chr2-210698732-T-G.
Other names: c.2782T>G, p.Tyr928Asp (NM_032504.2); c.2767T>G, p.Tyr923Asp (NM_182587.4); short protein forms Y923D, Y928D.
Identifiers: ClinVar variation 1991037 (VCV001991037.4), dbSNP rs2081177597, ClinGen allele CA350411430.

ClinVar aggregate classification (germline): Uncertain significance (1 of 4 stars; one submission).

Allele frequency attached by ClinVar (database versions not stated): gnomAD exomes below 0.00001.
gnomAD v4.1: 2 of 1,551,674 alleles (0.00013%); highest among the groups gnomAD compares: Non-Finnish European, 0.00017%; no homozygotes.

Submission:

Labcorp Genetics (formerly Invitae), Labcorp
Classification: Uncertain significance. Last evaluated: 2024-08-05. Review status: criteria provided, single submitter. Criteria: Invitae Variant Classification Sherloc (09022015). Collection method: clinical testing. Allele origin: germline.
Comment: This sequence change replaces tyrosine, which is neutral and polar, with aspartic acid, which is acidic and polar, at codon 928 of the UNC80 protein (p.Tyr928Asp). This variant is not present in population databases (gnomAD no frequency). This variant has not been reported in the literature in individuals affected with UNC80-related conditions. ClinVar contains an entry for this variant (Variation ID: 1991037). An algorithm developed to predict the effect of missense changes on protein structure and function (PolyPhen-2) suggests that this variant is likely to be disruptive. In summary, the available evidence is currently insufficient to determine the role of this variant in disease. Therefore, it has been classified as a Variant of Uncertain Significance.